The following is an entry in ClinVar:

NM_001374385.1(ATP8B1):c.506T>C (p.Met169Thr)

Gene: ATP8B1 (ATPase phospholipid transporting 8B1; minus strand). Cytogenetic location: 18q21.31.
Variant type: single nucleotide variant.
Coding change: c.506T>C on transcript NM_001374385.1 (MANE Select); coding-DNA position 506, T replaced by C.
Protein change: p.Met169Thr; replaces methionine 169 with threonine.
Molecular consequence: missense variant.
Genome position (GRCh38, 1-based): chr18:57,701,087, A>G on the plus strand (T>C on the coding strand, the complement: ATP8B1 is on the minus strand). VCF-style: chr18-57701087-A-G. GRCh37 (hg19) VCF-style: chr18-55368319-A-G.
Other names: c.356T>C, p.Met119Thr (NM_001374386.1); c.506T>C, p.Met169Thr (NM_005603.6); short protein forms M119T, M169T.
Identifiers: ClinVar variation 4846257 (VCV004846257.1).

ClinVar aggregate classification (germline): Uncertain significance (1 of 4 stars; one submission).

Conditions:
Familial intrahepatic cholestasis. Identifiers: Orphanet 284385, MedGen CN296401, MONDO:0017290.

Submission:

Genomenon, Inc
Classification: Uncertain significance for Familial intrahepatic cholestasis. Last evaluated: 2026-04-14. Review status: criteria provided, single submitter. Criteria: Genomenon Sequence Variant Interpretation Standards - Updated. Collection method: curation. Allele origin: germline. Affected: no.
Comment: ATP8B1 p.Met169Thr (c.506T>C) is a missense variant that changes the amino acid at residue 169 from Methionine to Threonine. This variant has been reported in the published literature (PMID:37208429). It is absent or not present at a significant frequency in gnomAD. In conclusion, we classify ATP8B1 p.Met169Thr (c.506T>C) as a variant of uncertain significance.

Literature cited by the submitters: PubMed 37208429.